The following is an entry in ClinVar:

NM_153033.4(KCTD7):c.*3961C>T

Gene: KCTD7 (potassium channel tetramerization domain containing 7; plus strand). Cytogenetic location: 7q11.21.
Variant type: single nucleotide variant.
Coding change: c.*3961C>T on transcript NM_153033.4; 3961 bases downstream of the stop codon, C replaced by T.
Molecular consequence: 3 prime UTR variant (on NM_001167961.2).
Genome position (GRCh38, 1-based): chr7:66,643,193, C>T. VCF-style: chr7-66643193-C-T. GRCh37 (hg19) VCF-style: chr7-66108180-C-T.
Other names: c.*2799C>T (NM_001167961.2).
Identifiers: ClinVar variation 360631 (VCV000360631.7), dbSNP rs144713969, ClinGen allele CA10624208.

ClinVar aggregate classification (germline): Benign (1 of 4 stars; one submission).

Conditions:
Progressive myoclonic epilepsy type 3. Also called: KCTD7-Related Progressive Myoclonic Epilepsy; EPILEPSY, PROGRESSIVE MYOCLONIC, 3, WITHOUT INTRACELLULAR INCLUSIONS; EPILEPSY, PROGRESSIVE MYOCLONIC, 3, WITH OR WITHOUT INTRACELLULAR INCLUSIONS; CEROID LIPOFUSCINOSIS, NEURONAL, 14. Identifiers: Orphanet 263516, MedGen C2673257, MONDO:0012721, OMIM 611726.

Allele frequency attached by ClinVar (database versions not stated): 1000 Genomes Project 0.00819; gnomAD 0.01510 and 0.01481; 1000 Genomes Project 30x 0.00859; TOPMed 0.01437; gnomAD exomes 0.02640.
gnomAD v4.1: 24,127 of 985,310 alleles (2.4%); highest among the groups gnomAD compares: Non-Finnish European, 2.7%; 363 homozygotes.

Submission:

Illumina Laboratory Services, Illumina
Classification: Benign for Progressive myoclonic epilepsy type 3. Last evaluated: 2018-01-12. Review status: criteria provided, single submitter. Criteria: ICSL Variant Classification Criteria 13 December 2019. Collection method: clinical testing. Allele origin: germline.
Comment: This variant was observed in the ICSL laboratory as part of a predisposition screen in an ostensibly healthy population. It had not been previously curated by ICSL or reported in the Human Gene Mutation Database (HGMD: prior to June 1st, 2018), and was therefore a candidate for classification through an automated scoring system. Utilizing variant allele frequency, disease prevalence and penetrance estimates, and inheritance mode, an automated score was calculated to assess if this variant is too frequent to cause the disease. Based on the score and internal cut-off values, a variant classified as benign is not then subjected to further curation. The score for this variant resulted in a classification of benign for this disease.